The following is an entry in ClinVar:

ClinVar aggregate classification (germline): Uncertain significance (1 of 4 stars; one submission).

Conditions:
Kabuki syndrome. Also called: Kabuki make-up syndrome; NIIKAWA-KUROKI SYNDROME. Identifiers: Orphanet 2322, MedGen C0796004, MONDO:0016512.

Submission:

Labcorp Genetics (formerly Invitae), Labcorp
Classification: Uncertain significance for Kabuki syndrome. Last evaluated: 2025-10-19. Review status: criteria provided, single submitter. Criteria: Invitae Variant Classification Sherloc (09022015). Collection method: clinical testing. Allele origin: germline.
Comment: This sequence change replaces proline, which is neutral and non-polar, with arginine, which is basic and polar, at codon 4961 of the KMT2D protein (p.Pro4961Arg). This variant is not present in population databases (gnomAD no frequency). This missense change has been observed in individual(s) with 30459467 (Kabuki syndrome). Invitae Evidence Modeling of protein sequence and biophysical properties (such as structural, functional, and spatial information, amino acid conservation, physicochemical variation, residue mobility, and thermodynamic stability) indicates that this missense variant is not expected to disrupt KMT2D protein function with a negative predictive value of 95%. In summary, the available evidence is currently insufficient to determine the role of this variant in disease. Therefore, it has been classified as a Variant of Uncertain Significance.

NM_003482.4(KMT2D):c.14882C>G (p.Pro4961Arg)

Gene: KMT2D (lysine methyltransferase 2D; minus strand). Cytogenetic location: 12q13.12.
Variant type: single nucleotide variant.
Coding change: c.14882C>G on transcript NM_003482.4 (MANE Select); coding-DNA position 14882, C replaced by G.
Protein change: p.Pro4961Arg; replaces proline 4961 with arginine.
Molecular consequence: missense variant.
Genome position (GRCh38, 1-based): chr12:49,027,084, G>C on the plus strand (C>G on the coding strand, the complement: KMT2D is on the minus strand). VCF-style: chr12-49027084-G-C. GRCh37 (hg19) VCF-style: chr12-49420867-G-C.
Other names: short protein forms P4961R.
Identifiers: ClinVar variation 4765695 (VCV004765695.1).